The following is an entry in ClinVar:

NM_001042432.2(CLN3):c.377C>T (p.Pro126Leu)

Gene: CLN3 (CLN3 lysosomal/endosomal transmembrane protein, battenin; minus strand). Cytogenetic location: 16p12.1.
Variant type: single nucleotide variant.
Coding change: c.377C>T on transcript NM_001042432.2 (MANE Select); coding-DNA position 377, C replaced by T.
Protein change: p.Pro126Leu; replaces proline 126 with leucine.
Molecular consequence: missense variant.
Genome position (GRCh38, 1-based): chr16:28,487,539, G>A on the plus strand (C>T on the coding strand, the complement: CLN3 is on the minus strand). VCF-style: chr16-28487539-G-A. GRCh37 (hg19) VCF-style: chr16-28498860-G-A.
Other names: c.377C>T, p.Pro126Leu (NM_000086.2); c.305C>T, p.Pro102Leu (NM_001286104.2); c.77C>T, p.Pro26Leu (NM_001286105.2); c.143C>T, p.Pro48Leu (NM_001286109.2); c.215C>T, p.Pro72Leu (NM_001286110.2); short protein forms P102L, P126L, P26L, P48L, P72L.
Identifiers: ClinVar variation 1307572 (VCV001307572.2), dbSNP rs2141714590, ClinGen allele CA395345988.
Genomic context (GRCh38, chr16:28,487,539, plus strand): 5'-TGAGAAAAGGCAACCAGGACGAAGCTTCCAGCAGCACAAATCCCACTGACGAGAACCCGG[G>A]GGCTGAGGGGGTGAGAAGGGAAGGGAGGGGGAAGGTCGGTCTCTACTCTCAGCATCTCAG-3'
Protein context (NP_001035897.1, residues 116-136): PLGLHLLPYS[Pro126Leu]RVLVSGICAA

ClinVar aggregate classification (germline): Uncertain significance (1 of 4 stars; one submission).

Allele frequency attached by ClinVar (database versions not stated): gnomAD exomes below 0.00001.
gnomAD v4.1: 1 of 1,613,708 alleles (0.000062%); highest among the groups gnomAD compares: Middle Eastern, 0.017%; no homozygotes.

Submission:

GeneDx
Classification: Uncertain significance. Last evaluated: 2019-08-08. Review status: criteria provided, single submitter. Criteria: GeneDx Variant Classification Process June 2021. Collection method: clinical testing. Allele origin: germline. Affected: yes.
Comment: Not observed in large population cohorts (Lek et al., 2016); In silico analysis, which includes protein predictors and evolutionary conservation, supports that this variant does not alter protein structure/function; Has not been previously published as pathogenic or benign to our knowledge